The following is an entry in ClinVar:

ClinVar aggregate classification (germline): Uncertain significance. Review status: criteria provided, multiple submitters, no conflicts (2 of 4 stars). 2 submissions from 2 submitters: Uncertain significance (2). Last evaluated 2023-09-17.

Conditions:
Alstrom syndrome (ALMS). Identifiers: Orphanet 64, MedGen C0268425, MONDO:0008763, OMIM 203800.
Cardiovascular phenotype. Identifiers: MedGen CN230736.

Allele frequency attached by ClinVar (database versions not stated): gnomAD exomes below 0.00001; ExAC 0.00002.
gnomAD v4.1: 4 of 1,614,016 alleles (0.00025%); highest among the groups gnomAD compares: Admixed American, 0.005%; no homozygotes.

Submissions (2):

Labcorp Genetics (formerly Invitae), Labcorp
Classification: Uncertain significance for Alstrom syndrome. Last evaluated: 2023-09-17. Review status: criteria provided, single submitter. Criteria: Invitae Variant Classification Sherloc (09022015). Collection method: clinical testing. Allele origin: germline.
Comment: This sequence change replaces tyrosine, which is neutral and polar, with cysteine, which is neutral and slightly polar, at codon 1582 of the ALMS1 protein (p.Tyr1582Cys). This variant is present in population databases (rs755981991, gnomAD 0.009%). This variant has not been reported in the literature in individuals affected with ALMS1-related conditions. ClinVar contains an entry for this variant (Variation ID: 1742794). Experimental studies and prediction algorithms are not available or were not evaluated, and the functional significance of this variant is currently unknown. In summary, the available evidence is currently insufficient to determine the role of this variant in disease. Therefore, it has been classified as a Variant of Uncertain Significance.

Ambry Genetics
Classification: Uncertain significance for Cardiovascular phenotype. Last evaluated: 2022-02-23. Review status: criteria provided, single submitter. Criteria: Ambry Variant Classification Scheme 2023. Collection method: clinical testing. Allele origin: germline.
Comment: The p.Y1582C variant (also known as c.4745A>G), located in coding exon 8 of the ALMS1 gene, results from an A to G substitution at nucleotide position 4745. The tyrosine at codon 1582 is replaced by cysteine, an amino acid with highly dissimilar properties. This amino acid position is well conserved in available vertebrate species. In addition, the in silico prediction for this alteration is inconclusive. Since supporting evidence is limited at this time, the clinical significance of this alteration remains unclear.

NM_001378454.1(ALMS1):c.4742A>G (p.Tyr1581Cys)

Gene: ALMS1 (ALMS1 centrosome and basal body associated protein; plus strand). Cytogenetic location: 2p13.1.
Variant type: single nucleotide variant.
Coding change: c.4742A>G on transcript NM_001378454.1 (MANE Select); coding-DNA position 4742, A replaced by G.
Protein change: p.Tyr1581Cys; replaces tyrosine 1581 with cysteine.
Molecular consequence: missense variant.
Genome position (GRCh38, 1-based): chr2:73,451,269, A>G. VCF-style: chr2-73451269-A-G. GRCh37 (hg19) VCF-style: chr2-73678396-A-G.
Other names: c.4745A>G, p.Tyr1582Cys (NM_015120.4); short protein forms Y1581C, Y1582C.
Identifiers: ClinVar variation 1742794 (VCV001742794.5), dbSNP rs755981991, ClinGen allele CA1713755.